The following is an entry in ClinVar:

ClinVar aggregate classification (germline): Uncertain significance (1 of 4 stars; one submission).

Allele frequency attached by ClinVar (database versions not stated): gnomAD exomes 0.00001.
gnomAD v4.1: 4 of 1,614,066 alleles (0.00025%); highest among the groups gnomAD compares: Non-Finnish European, 0.00034%; no homozygotes.

Submission:

Labcorp Genetics (formerly Invitae), Labcorp
Classification: Uncertain significance. Last evaluated: 2022-07-20. Review status: criteria provided, single submitter. Criteria: Invitae Variant Classification Sherloc (09022015). Collection method: clinical testing. Allele origin: germline.
Comment: This sequence change replaces glutamic acid, which is acidic and polar, with lysine, which is basic and polar, at codon 377 of the NDUFV1 protein (p.Glu377Lys). This variant is not present in population databases (gnomAD no frequency). This missense change has been observed in individual(s) with complex I deficiency (PMID: 20818383). Advanced modeling of protein sequence and biophysical properties (such as structural, functional, and spatial information, amino acid conservation, physicochemical variation, residue mobility, and thermodynamic stability) performed at Invitae indicates that this missense variant is expected to disrupt NDUFV1 protein function. Experimental studies have shown that this missense change affects NDUFV1 function (PMID: 26345448). In summary, the available evidence is currently insufficient to determine the role of this variant in disease. Therefore, it has been classified as a Variant of Uncertain Significance.

Literature cited by the submitters: PubMed 20818383; PubMed 26345448.

NM_007103.4(NDUFV1):c.1129G>A (p.Glu377Lys)

Genes: NDUFV1 (NADH:ubiquinone oxidoreductase core subunit V1; plus strand), LOC126861242 (CDK7 strongly-dependent group 2 enhancer GRCh37_chr11:67379204-67380403; plus strand). Cytogenetic location: 11q13.2.
Variant type: single nucleotide variant.
Coding change: c.1129G>A on transcript NM_007103.4 (MANE Select); coding-DNA position 1129, G replaced by A.
Protein change: p.Glu377Lys; replaces glutamic acid 377 with lysine.
Molecular consequence: missense variant.
Genome position (GRCh38, 1-based): chr11:67,611,945, G>A. VCF-style: chr11-67611945-G-A. GRCh37 (hg19) VCF-style: chr11-67379416-G-A.
Other names: c.1102G>A, p.Glu368Lys (NM_001166102.2); short protein forms E377K, E368K.
Identifiers: ClinVar variation 2137168 (VCV002137168.1), dbSNP rs1591111808, ClinGen allele CA381541631.